The following is an entry in ClinVar:

NM_018417.6(ADCY10):c.1418T>C (p.Met473Thr)

Genes: ADCY10 (adenylate cyclase 10; minus strand), DCAF6 (DDB1 and CUL4 associated factor 6; plus strand). Cytogenetic location: 1q24.2.
Variant type: single nucleotide variant.
Coding change: c.1418T>C on transcript NM_018417.6 (MANE Select); coding-DNA position 1418, T replaced by C.
Protein change: p.Met473Thr; replaces methionine 473 with threonine.
Molecular consequence: missense variant.
Genome position (GRCh38, 1-based): chr1:167,875,175, A>G on the plus strand (T>C on the coding strand, the complement: ADCY10 is on the minus strand). VCF-style: chr1-167875175-A-G. GRCh37 (hg19) VCF-style: chr1-167844413-A-G.
Other names: c.1418T>C (NM_018417.4); c.959T>C, p.Met320Thr (NM_001167749.3); c.1142T>C, p.Met381Thr (NM_001297772.2); short protein forms M320T, M473T, M381T.
Identifiers: ClinVar variation 788845 (VCV000788845.17), dbSNP rs142478979, ClinGen allele CA1227944.

ClinVar aggregate classification (germline): Conflicting classifications of pathogenicity. Review status: criteria provided, conflicting classifications (1 of 4 stars). 5 submissions from 5 submitters: Uncertain significance (1); Likely benign (3). 1 of the submissions does not count toward it. Last evaluated 2026-02-01.

Conditions:
ADCY10-related disorder. Also called: ADCY10-related condition.

Allele frequency attached by ClinVar (database versions not stated): 1000 Genomes Project 0.00060; 1000 Genomes Project 30x 0.00062; TOPMed 0.00170; gnomAD exomes 0.00180 and 0.00337; gnomAD 0.00183 and 0.00191; ExAC 0.00197; ESP Exome Variant Server 0.00254.
gnomAD v4.1: 5,142 of 1,614,192 alleles (0.32%); highest among the groups gnomAD compares: Non-Finnish European, 0.41%; 8 homozygotes.

Submissions (5):

CeGaT Center for Human Genetics Tuebingen
Classification: Likely benign. Last evaluated: 2026-02-01. Review status: criteria provided, single submitter. Criteria: CeGaT Center For Human Genetics Tuebingen Variant Classification Criteria Version 2. Collection method: clinical testing. Allele origin: germline. Affected: yes. Observed: 1 variant allele.
Comment: ADCY10: BS1

Labcorp Genetics (formerly Invitae), Labcorp
Classification: Likely benign. Last evaluated: 2026-01-13. Review status: criteria provided, single submitter. Criteria: Invitae Variant Classification Sherloc (09022015). Collection method: clinical testing. Allele origin: germline.

Ambry Genetics
Classification: Uncertain significance. Last evaluated: 2025-10-29. Review status: criteria provided, single submitter. Criteria: Ambry Variant Classification Scheme 2023. Collection method: clinical testing. Allele origin: germline.

GeneDx
Classification: Likely benign. Last evaluated: 2022-10-17. Review status: criteria provided, single submitter. Criteria: GeneDx Variant Classification Process June 2021. Collection method: clinical testing. Allele origin: germline. Affected: yes.
Comment: See Variant Classification Assertion Criteria.

PreventionGenetics, part of Exact Sciences
Classification: Likely benign for ADCY10-related condition. Last evaluated: 2020-07-14. Review status: no assertion criteria provided. Collection method: clinical testing. Allele origin: germline. Not counted in ClinVar's aggregate classification.
Comment: This variant is classified as likely benign based on ACMG/AMP sequence variant interpretation guidelines (Richards et al. 2015 PMID: 25741868, with internal and published modifications).